The following is an entry in ClinVar:

NM_001324418.2(ADAM22):c.172C>T (p.Arg58Cys)

Gene: ADAM22 (ADAM metallopeptidase domain 22; plus strand). Cytogenetic location: 7q21.12.
Variant type: single nucleotide variant.
Coding change: c.172C>T on transcript NM_001324418.2 (MANE Select); coding-DNA position 172, C replaced by T.
Protein change: p.Arg58Cys; replaces arginine 58 with cysteine.
Molecular consequence: missense variant.
Genome position (GRCh38, 1-based): chr7:87,935,112, C>T. VCF-style: chr7-87935112-C-T. GRCh37 (hg19) VCF-style: chr7-87564427-C-T.
Other names: c.172C>T, p.Arg58Cys (NM_001391975.1, NM_001391976.1, NM_001391977.1 and 9 more transcripts); c.169C>T, p.Arg57Cys (NM_001391978.1, NM_001391979.1, NM_001391981.1 and 2 more transcripts); short protein forms R57C, R58C.
Identifiers: ClinVar variation 4088065 (VCV004088065.2).

ClinVar aggregate classification (germline): Uncertain significance (1 of 4 stars; one submission).

gnomAD v4.1: 3 of 1,613,876 alleles (0.00019%); highest among the groups gnomAD compares: Middle Eastern, 0.016%; no homozygotes.

Submission:

GeneDx
Classification: Uncertain significance. Last evaluated: 2025-10-16. Review status: criteria provided, single submitter. Criteria: GeneDx Variant Classification Process June 2021. Collection method: clinical testing. Allele origin: germline.
Comment: Not observed at significant frequency in large population cohorts (gnomAD); In silico analysis supports that this missense variant has a deleterious effect on protein structure/function; Has not been previously published as pathogenic or benign to our knowledge